The following is an entry in ClinVar:

NM_203447.4(DOCK8):c.2107G>A (p.Glu703Lys)

Gene: DOCK8 (dedicator of cytokinesis 8; plus strand). Cytogenetic location: 9p24.3.
Variant type: single nucleotide variant.
Coding change: c.2107G>A on transcript NM_203447.4 (MANE Select); coding-DNA position 2107, G replaced by A.
Protein change: p.Glu703Lys; replaces glutamic acid 703 with lysine.
Molecular consequence: missense variant.
Genome position (GRCh38, 1-based): chr9:372,284, G>A. VCF-style: chr9-372284-G-A. GRCh37 (hg19) VCF-style: chr9-372284-G-A.
Other names: c.1903G>A, p.Glu635Lys (NM_001190458.2, NM_001193536.2); c.2107G>A (NM_203447.3); short protein forms E635K, E703K.
Identifiers: ClinVar variation 1416586 (VCV001416586.8), dbSNP rs769519063, ClinGen allele CA4958070.

ClinVar aggregate classification (germline): Uncertain significance. Review status: criteria provided, multiple submitters, no conflicts (2 of 4 stars). 3 submissions from 3 submitters: Uncertain significance (3). Last evaluated 2026-01-28.

Conditions:
Inborn genetic diseases. Identifiers: MedGen C0950123, MeSH D030342.
Combined immunodeficiency due to DOCK8 deficiency (HIES2). Also called: HYPER-IgE RECURRENT INFECTION SYNDROME 2, AUTOSOMAL RECESSIVE; HIES autosomal recessive; HYPER-IgE SYNDROME 2, AUTOSOMAL RECESSIVE, WITH RECURRENT INFECTIONS; Hyper-IgE recurrent infection syndrome, autosomal recessive; DOCK8 Deficiency. Identifiers: Orphanet 217390, MedGen C4722305, MONDO:0009478, OMIM 243700.

Allele frequency attached by ClinVar (database versions not stated): gnomAD 0.00001 and 0.00002; gnomAD exomes 0.00001 and 0.00002; ExAC 0.00002; TOPMed 0.00002.
gnomAD v4.1: 12 of 1,612,896 alleles (0.00074%); highest among the groups gnomAD compares: Non-Finnish European, 0.00093%; no homozygotes.

Submissions (3):

GeneDx
Classification: Uncertain significance. Last evaluated: 2026-01-28. Review status: criteria provided, single submitter. Criteria: GeneDx Variant Classification Process June 2021. Collection method: clinical testing. Allele origin: germline.
Comment: In silico analysis suggests that this missense variant does not alter protein structure/function; Has not been previously published as pathogenic or benign to our knowledge

Ambry Genetics
Classification: Uncertain significance for Inborn genetic diseases. Last evaluated: 2024-11-14. Review status: criteria provided, single submitter. Criteria: Ambry Variant Classification Scheme 2023. Collection method: clinical testing. Allele origin: germline.

Labcorp Genetics (formerly Invitae), Labcorp
Classification: Uncertain significance for Combined immunodeficiency due to DOCK8 deficiency. Last evaluated: 2022-11-22. Review status: criteria provided, single submitter. Criteria: Invitae Variant Classification Sherloc (09022015). Collection method: clinical testing. Allele origin: germline.
Comment: In summary, the available evidence is currently insufficient to determine the role of this variant in disease. Therefore, it has been classified as a Variant of Uncertain Significance. Algorithms developed to predict the effect of missense changes on protein structure and function are either unavailable or do not agree on the potential impact of this missense change (SIFT: "Tolerated"; PolyPhen-2: "Possibly Damaging"; Align-GVGD: "Class C0"). ClinVar contains an entry for this variant (Variation ID: 1416586). This variant has not been reported in the literature in individuals affected with DOCK8-related conditions. This variant is present in population databases (rs769519063, gnomAD 0.004%). This sequence change replaces glutamic acid, which is acidic and polar, with lysine, which is basic and polar, at codon 703 of the DOCK8 protein (p.Glu703Lys).